The following is an entry in ClinVar:

NM_000038.6(APC):c.645+5003A>T

Gene: APC (APC regulator of WNT signaling pathway; plus strand). Cytogenetic location: 5q22.2.
Variant type: single nucleotide variant.
Coding change: c.645+5003A>T on transcript NM_000038.6 (MANE Select); 5003 bases into the intron after coding-DNA position 645, A replaced by T.
Molecular consequence: intron variant.
Genome position (GRCh38, 1-based): chr5:112,785,906, A>T. VCF-style: chr5-112785906-A-T. GRCh37 (hg19) VCF-style: chr5-112121603-A-T.
Other names: c.645+5003A>T (NM_001354895.2, NM_001127510.3, NM_001354896.2 and 2 more transcripts); c.675+5003A>T (NM_001354897.2, NM_001354902.2, NM_001127511.3); c.570+5003A>T (NM_001354898.2, NM_001354904.2); c.-391+5003A>T (NM_001354906.2); c.468+5003A>T (NM_001354900.2, NM_001354901.2, NM_001354905.2).
Identifiers: ClinVar variation 82454 (VCV000082454.2), dbSNP rs76009673, ClinGen allele CA011538.
Genomic context (GRCh38, chr5:112,785,906, plus strand): 5'-AATGTGAAAAATAAATCTAAAATTAATAGAATAAAATACAGGCAAGAGATCTTCTTAAAT[A>T]TGAATGGAAACTCAAAAGCAATAAAGAGGAAGGAAAGTTGGGATTTATCTCATAACATTT-3'

ClinVar aggregate classification (germline): other (0 of 4 stars; one submission).

Conditions:
Familial colorectal cancer. Identifiers: MedGen CN280943, MONDO:0023113. Disease mechanism: loss of function.

Allele frequency attached by ClinVar (database versions not stated): 1000 Genomes Project 30x 0.00031; gnomAD 0.00045; TOPMed 0.00062; 1000 Genomes Project 0.00040.

Submission:

Systems Biology Platform Zhejiang California International NanoSystems Institute
Classification: other for Familial colorectal cancer. Review status: no assertion criteria provided. Collection method: not provided. Allele origin: unknown.
ClinVar note: Converted during submission from cancer to other.